The following is an entry in ClinVar:

ClinVar aggregate classification (germline): Uncertain significance (1 of 4 stars; one submission).

Conditions:
Hereditary cancer-predisposing syndrome. Also called: Hereditary Cancer Syndrome; Hereditary neoplastic syndrome; Tumor predisposition; Neoplastic Syndromes, Hereditary. Identifiers: Orphanet 140162, MedGen C0027672, MeSH D009386, MONDO:0015356.

Allele frequency attached by ClinVar (database versions not stated): TOPMed below 0.00001.

Submission:

Ambry Genetics
Classification: Uncertain significance for Hereditary cancer-predisposing syndrome. Last evaluated: 2025-01-06. Review status: criteria provided, single submitter. Criteria: Ambry Variant Classification Scheme 2023. Collection method: clinical testing. Allele origin: germline.
Comment: The p.Q83R variant (also known as c.248A>G), located in coding exon 4 of the MAX gene, results from an A to G substitution at nucleotide position 248. The glutamine at codon 83 is replaced by arginine, an amino acid with highly similar properties. This amino acid position is highly conserved in available vertebrate species. In addition, this alteration is predicted to be deleterious by in silico analysis. Since supporting evidence is limited at this time, the clinical significance of this alteration remains unclear.

NM_002382.5(MAX):c.248A>G (p.Gln83Arg)

Gene: MAX (MYC associated transcriptional regulator X; minus strand). Cytogenetic location: 14q23.3.
Variant type: single nucleotide variant.
Coding change: c.248A>G on transcript NM_002382.5 (MANE Select); coding-DNA position 248, A replaced by G.
Protein change: p.Gln83Arg; replaces glutamine 83 with arginine.
Molecular consequence: missense variant. On other transcripts: 5 prime UTR variant (1), intron variant (2).
Genome position (GRCh38, 1-based): chr14:65,077,960, T>C on the plus strand (A>G on the coding strand, the complement: MAX is on the minus strand). VCF-style: chr14-65077960-T-C. GRCh37 (hg19) VCF-style: chr14-65544678-T-C.
Other names: c.-27A>G (NM_001320415.2, NM_001407105.1, NM_001407106.1 and 1 more transcripts); c.248A>G, p.Gln83Arg (NM_001407094.1, NM_001407096.1, NM_001407097.1 and 3 more transcripts); c.221A>G, p.Gln74Arg (NM_001407095.1, NM_001407099.1, NM_001407100.1 and 6 more transcripts); c.140A>G, p.Gln47Arg (NM_001407098.1); c.-120A>G (NM_001407111.1, NM_001407112.1); c.144+15748A>G (NM_001271069.2); c.171+15748A>G (NM_197957.4); short protein forms Q83R, Q47R, Q74R.
Identifiers: ClinVar variation 1792039 (VCV001792039.3), dbSNP rs963030916, ClinGen allele CA262718086.
Genomic context (GRCh38, chr14:65,077,960, plus strand): 5'-CTCGGGTGCTCACCTTGCTGCTCCAGAAGAGCATTCTGCCGCTTGAGGTCGTCAATATCT[T>C]GCTGGTGTGTGTGGTTTTTCCTTCGCATATACTGGATATATTCTGTGGCTTTGTCTAGGA-3'
Protein context (NP_002373.3, residues 73-93): YMRRKNHTHQ[Gln83Arg]DIDDLKRQNA